The following is an entry in ClinVar:

ClinVar aggregate classification (germline): Likely benign. Review status: criteria provided, multiple submitters, no conflicts (2 of 4 stars). 2 submissions from 2 submitters: Likely benign (2). Last evaluated 2025-11-24.

Allele frequency attached by ClinVar (database versions not stated): gnomAD exomes 0.00003 and 0.00004; ExAC 0.00005; gnomAD 0.00005 and 0.00006; TOPMed 0.00006; ESP Exome Variant Server 0.00023.
gnomAD v4.1: 64 of 1,612,300 alleles (0.004%); highest among the groups gnomAD compares: African/African-American, 0.013%; no homozygotes.

Submissions (2):

Labcorp Genetics (formerly Invitae), Labcorp
Classification: Likely benign. Last evaluated: 2025-11-24. Review status: criteria provided, single submitter. Criteria: Invitae Variant Classification Sherloc (09022015). Collection method: clinical testing. Allele origin: germline.

GeneDx
Classification: Likely benign. Last evaluated: 2017-02-09. Review status: criteria provided, single submitter. Criteria: GeneDx Variant Classification (06012015). Collection method: clinical testing. Allele origin: germline. Affected: yes.
Comment: This variant is considered likely benign or benign based on one or more of the following criteria: it is a conservative change, it occurs at a poorly conserved position in the protein, it is predicted to be benign by multiple in silico algorithms, and/or has population frequency not consistent with disease.

NM_014254.3(RXYLT1):c.993G>A (p.Pro331=)

Gene: RXYLT1 (ribitol xylosyltransferase 1; plus strand). Cytogenetic location: 12q14.2.
Variant type: single nucleotide variant.
Coding change: c.993G>A on transcript NM_014254.3 (MANE Select); coding-DNA position 993, G replaced by A.
Protein change: p.Pro331=; no amino-acid change (proline 331 retained).
Molecular consequence: synonymous variant.
Genome position (GRCh38, 1-based): chr12:63,808,753, G>A. VCF-style: chr12-63808753-G-A. GRCh37 (hg19) VCF-style: chr12-64202533-G-A.
Other names: c.213G>A, p.Pro71= (NM_001278237.2).
Identifiers: ClinVar variation 507204 (VCV000507204.8), dbSNP rs377309677, ClinGen allele CA6666220.